The following is an entry in ClinVar:

ClinVar aggregate classification (germline): Uncertain significance (1 of 4 stars; one submission).

Submission:

Labcorp Genetics (formerly Invitae), Labcorp
Classification: Uncertain significance. Last evaluated: 2025-09-22. Review status: criteria provided, single submitter. Criteria: Invitae Variant Classification Sherloc (09022015). Collection method: clinical testing. Allele origin: germline.
Comment: This sequence change replaces leucine, which is neutral and non-polar, with valine, which is neutral and non-polar, at codon 44 of the GMNN protein (p.Leu44Val). This variant is not present in population databases (gnomAD no frequency). This variant has not been reported in the literature in individuals affected with GMNN-related conditions. An algorithm developed to predict the effect of missense changes on protein structure and function (PolyPhen-2) suggests that this variant is likely to be tolerated. In summary, the available evidence is currently insufficient to determine the role of this variant in disease. Therefore, it has been classified as a Variant of Uncertain Significance.

NM_015895.5(GMNN):c.130C>G (p.Leu44Val)

Gene: GMNN (geminin DNA replication inhibitor; plus strand). Cytogenetic location: 6p22.3.
Variant type: single nucleotide variant.
Coding change: c.130C>G on transcript NM_015895.5 (MANE Select); coding-DNA position 130, C replaced by G.
Protein change: p.Leu44Val; replaces leucine 44 with valine.
Molecular consequence: missense variant.
Genome position (GRCh38, 1-based): chr6:24,781,477, C>G. VCF-style: chr6-24781477-C-G. GRCh37 (hg19) VCF-style: chr6-24781705-C-G.
Other names: c.130C>G, p.Leu44Val (NM_001251989.2, NM_001251990.2, NM_001251991.1); short protein forms L44V.
Identifiers: ClinVar variation 4727659 (VCV004727659.1).